The following is an entry in ClinVar:

ClinVar aggregate classification (germline): Benign/Likely benign. Review status: criteria provided, multiple submitters, no conflicts (2 of 4 stars). 8 submissions from 8 submitters: Benign (1); Likely benign (7). Last evaluated 2025-10-12.

Conditions:
Hereditary cancer-predisposing syndrome. Also called: Tumor predisposition; Hereditary neoplastic syndrome; Neoplastic Syndromes, Hereditary; Hereditary Cancer Syndrome. Identifiers: Orphanet 140162, MedGen C0027672, MeSH D009386, MONDO:0015356.
Hereditary nonpolyposis colorectal neoplasms. Identifiers: MedGen C0009405, MeSH D003123.
Lynch syndrome. Identifiers: Orphanet 144, MedGen C4552100, MONDO:0005835. Disease mechanism: loss of function.
Lynch syndrome 5 (LYNCH5). Also called: Colorectal cancer, hereditary nonpolyposis, type 5; Hereditary non-polyposis colorectal cancer, type 5. Identifiers: Orphanet 144, MedGen C1833477, MONDO:0013710, OMIM 614350. Disease mechanism: loss of function.

Allele frequency attached by ClinVar (database versions not stated): gnomAD exomes below 0.00001; gnomAD 0.00001 and 0.00002; TOPMed 0.00001.
gnomAD v4.1: 9 of 1,567,208 alleles (0.00057%); highest among the groups gnomAD compares: African/African-American, 0.0027%; no homozygotes.

Submissions (8):

Labcorp Genetics (formerly Invitae), Labcorp
Classification: Likely benign for Hereditary nonpolyposis colorectal neoplasms. Last evaluated: 2025-10-12. Review status: criteria provided, single submitter. Criteria: Invitae Variant Classification Sherloc (09022015). Collection method: clinical testing. Allele origin: germline.

Myriad Genetics, Inc.
Classification: Benign for Lynch syndrome 5. Last evaluated: 2025-01-02. Review status: criteria provided, single submitter. Criteria: Myriad Autosomal Dominant, Autosomal Recessive and X-Linked Classification Criteria (2023). Collection method: clinical testing. Allele origin: unknown.
Comment: This variant is considered benign. This variant is a silent/synonymous amino acid change and it is not expected to impact splicing.

All of Us Research Program, National Institutes of Health
Classification: Likely benign for Lynch syndrome. Last evaluated: 2024-07-29. Review status: criteria provided, single submitter. Criteria: ACMG Guidelines, 2015. Collection method: clinical testing. Allele origin: germline. Inheritance: Autosomal dominant inheritance. Observed: 1 variant allele, 1 heterozygote.
Comment: This study involves interpretation of variants in research participants for the purpose of population health screening. Participant phenotype was not available at the time of variant classification. Additional details can be found in publication PMID: 35346344, PMCID: PMC8962531

Women's Health and Genetics/Laboratory Corporation of America, LabCorp
Classification: Likely benign. Last evaluated: 2019-11-27. Review status: criteria provided, single submitter. Criteria: LabCorp Variant Classification Summary - May 2015. Collection method: clinical testing. Allele origin: germline.

GeneDx
Classification: Likely benign. Last evaluated: 2018-09-05. Review status: criteria provided, single submitter. Criteria: GeneDx Variant Classification Process June 2021. Collection method: clinical testing. Allele origin: germline. Affected: yes.

Color Diagnostics, LLC DBA Color Health
Classification: Likely benign for Hereditary cancer-predisposing syndrome. Last evaluated: 2018-01-11. Review status: criteria provided, single submitter. Criteria: ACMG Guidelines, 2015. Collection method: clinical testing. Allele origin: germline.

Quest Diagnostics Nichols Institute San Juan Capistrano
Classification: Likely benign. Last evaluated: 2017-09-19. Review status: criteria provided, single submitter. Criteria: Quest Diagnostics criteria. Collection method: clinical testing. Allele origin: germline.

Ambry Genetics
Classification: Likely benign for Hereditary cancer-predisposing syndrome. Last evaluated: 2015-12-14. Review status: criteria provided, single submitter. Criteria: Ambry Variant Classification Scheme 2023. Collection method: clinical testing. Allele origin: germline.

NM_000179.3(MSH6):c.2973A>G (p.Pro991=)

Gene: MSH6 (mutS homolog 6; plus strand). Cytogenetic location: 2p16.3.
Variant type: single nucleotide variant.
Coding change: c.2973A>G on transcript NM_000179.3 (MANE Select); coding-DNA position 2973, A replaced by G.
Protein change: p.Pro991=; no amino-acid change (proline 991 retained).
Molecular consequence: synonymous variant.
Genome position (GRCh38, 1-based): chr2:47,800,956, A>G. VCF-style: chr2-47800956-A-G. GRCh37 (hg19) VCF-style: chr2-48028095-A-G.
Other names: c.2583A>G, p.Pro861= (NM_001281492.2); c.2067A>G, p.Pro689= (NM_001281493.2, NM_001281494.2).
Identifiers: ClinVar variation 382417 (VCV000382417.23), dbSNP rs1057521349, ClinGen allele CA16604325.
Genomic context (GRCh38, chr2:47,800,956, plus strand): 5'-GATTGGTAGGAACCGTTACCAGCTGGAAATTCCTGAGAATTTCACCACTCGCAATTTGCC[A>G]GAAGAATACGAGTTGAAATCTACCAAGAAGGGCTGTAAACGATACTGGACCAAAACTATT-3'
Protein context (NP_000170.1, residues 981-1001): IPENFTTRNL[Pro991=]EEYELKSTKK